The following is an entry in ClinVar:

NM_001370658.1(BTD):c.333del (p.Phe111fs)

Gene: BTD (biotinidase; plus strand). Cytogenetic location: 3p25.1.
Variant type: Deletion.
Coding change: c.333del on transcript NM_001370658.1 (MANE Select); coding-DNA position 333, one base deleted (C; older notation c.333delC).
Protein change: p.Phe111fs; shifts the reading frame from phenylalanine 111.
Molecular consequence: frameshift variant.
Genome position (GRCh38, 1-based): chr3:15,641,991, C deleted. VCF-style (leftmost placement, unchanged base first): chr3-15641990-TC-T. GRCh37 (hg19) VCF-style: chr3-15683497-TC-T.
Other names: c.333del, p.Phe111fs (NM_001407379.1, NM_001407380.1, NM_001407382.1 and 36 more transcripts); c.396del, p.Phe132fs (NM_001407381.1); c.393delC (NM_000060.4); c.393del (NM_000060.4); short protein forms F111fs, F132fs.
Identifiers: ClinVar variation 587746 (VCV000587746.10), dbSNP rs397514356, ClinGen allele CA278198.

ClinVar aggregate classification (germline): Pathogenic/Likely pathogenic. Review status: criteria provided, multiple submitters, no conflicts (2 of 4 stars). 5 submissions from 5 submitters: Pathogenic (4); Likely pathogenic (1). Last evaluated 2026-06-04.

Conditions:
Biotinidase deficiency. Also called: BTD deficiency; Late-onset biotin-responsive multiple carboxylase deficiency; Biotin deficiency. Identifiers: Orphanet 79241, MedGen C0220754, MONDO:0009665, OMIM 253260.
BTD-related disorder. Also called: BTD-related condition.

Allele frequency attached by ClinVar (database versions not stated): gnomAD exomes below 0.00001.

Submissions (5):

PreventionGenetics, part of Exact Sciences
Classification: Pathogenic for BTD-related condition. Last evaluated: 2026-06-04. Review status: criteria provided, single submitter. Criteria: ACMG Guidelines, 2015. Collection method: clinical testing. Allele origin: germline.
Comment: The BTD c.393delC variant is predicted to result in a frameshift and premature protein termination (p.Phe131Leufs*28). This variant has been reported in the homozygous or compound heterozygous state in individuals with biotinidase deficiency (Wolf et al. 2002. PubMed ID: 12359137; Al-Eitan et al. 2020. PubMed ID: 31973013; described as C.399del in Suppl. Table 1, Sukenik-Halevy et al. 2022. PubMed ID: 35032046). This variant has not been reported in a large population database (gnomAD), indicating this variant is rare. Frameshift variants in BTD are expected to be pathogenic. This variant is interpreted as pathogenic.

3billion
Classification: Pathogenic for Biotinidase deficiency. Last evaluated: 2026-01-27. Review status: criteria provided, single submitter. Criteria: ACMG Guidelines, 2015. Collection method: clinical testing. Allele origin: germline. Affected: yes.
Comment: The variant is observed at an extremely low frequency in the gnomAD v4.1.0 dataset (total allele frequency: <0.001%). Predicted Consequence/Location: Frameshift: predicted to result in a loss or disruption of normal protein function through nonsense-mediated decay (NMD) or protein truncation. Multiple pathogenic variants are reported downstream of the variant. The variant has been reported at least twice as pathogenic with clinical assertions and evidence for the classification (ClinVar ID: VCV000587746 /PMID: 12359137). Therefore, this variant is classified as Pathogenic according to the recommendation of ACMG/AMP guideline.

GeneDx
Classification: Pathogenic. Last evaluated: 2023-06-12. Review status: criteria provided, single submitter. Criteria: GeneDx Variant Classification Process June 2021. Collection method: clinical testing. Allele origin: germline. Affected: yes.
Comment: Frameshift variant predicted to result in protein truncation, as the last 413 amino acids are replaced with 27 different amino acids, and other loss-of-function variants have been reported downstream in HGMD; Not observed at significant frequency in large population cohorts (gnomAD); This variant is associated with the following publications: (PMID: 35032046, 12359137, 31973013)

Baylor Genetics
Classification: Pathogenic for Biotinidase deficiency. Last evaluated: 2022-05-15. Review status: criteria provided, single submitter. Criteria: ACMG Guidelines, 2015. Collection method: clinical testing. Allele origin: unknown.

Genome-Nilou Lab
Classification: Likely pathogenic for Biotinidase deficiency. Last evaluated: 2021-07-22. Review status: criteria provided, single submitter. Criteria: ACMG Guidelines, 2015. Collection method: clinical testing. Allele origin: germline. Affected: no.

Literature cited by the submitters: PubMed 12359137 (cited by 3billion).